The following is an entry in ClinVar:

ClinVar aggregate classification (germline): Likely benign. Review status: reviewed by expert panel (3 of 4 stars). 9 submissions from 9 submitters: Likely benign (1). 8 of the submissions do not count toward it. Last evaluated 2022-02-12.

Conditions:
Overgrowth syndrome and/or cerebral malformations due to abnormalities in MTOR pathway genes. Identifiers: MedGen CN300503, MONDO:0100283.
MTOR-related disorder. Also called: MTOR-related condition.
Inborn genetic diseases. Identifiers: MedGen C0950123, MeSH D030342.

Allele frequency attached by ClinVar (database versions not stated): ExAC 0.00044; TOPMed 0.00046; ESP Exome Variant Server 0.00054; 1000 Genomes Project 0.00020; gnomAD 0.00036 and 0.00039; gnomAD exomes 0.00038.
gnomAD v4.1: 1,223 of 1,611,638 alleles (0.076%); highest among the groups gnomAD compares: Non-Finnish European, 0.099%; 1 homozygote.

Submissions (9):

ClinGen Brain Malformations Variant Curation Expert Panel
Classification: Likely benign for Overgrowth syndrome and/or cerebral malformations due to abnormalities in MTOR pathway genes. Last evaluated: 2022-02-12. Review status: reviewed by expert panel. Criteria: ClinGen BrainMalform ACMG Specifications v1. Collection method: curation. Allele origin: germline. Inheritance: Autosomal dominant inheritance.
Comment: The c.5501C>T (NM_004958.4) variant in MTOR is a missense variant predicted to cause substitution of (p.Thr1834Met). The highest population minor allele frequency in gnomAD v2.1.1 is 0.0006661 in European (non Finnish) population, which is higher than the ClinGen BMEP threshold ([>0.00037]) for BS1, and therefore meets this criterion (BS1). MTOR, in which the variant was identified, is defined by the ClinGen Brain Malformations Expert Panel as a gene that has a low rate of benign missense variation and where pathogenic missense variants are a common mechanism of disease (PP2). This variant resides within the focal adhesion kinase domain of MTOR that is defined as a critical functional domain by the ClinGen BMEP (PMIDs: 23322780, 27482884, 21210909) (PM1_Supporting). In summary, this variant meets the criteria to be classified as Likely benign for mosaic autosomal dominant overgrowth with or without cerebral malformations due to abnormalities in MTOR-pathway genes based on the ACMG/AMP criteria applied, as specified by the ClinGen Brain Malformations Expert Panel: BS1, PP2, PM1_P; -2 points (VCEP specifications version 1; Approved: 1/31/2021)

Labcorp Genetics (formerly Invitae), Labcorp
Classification: Benign. Last evaluated: 2026-01-26. Review status: criteria provided, single submitter. Criteria: Invitae Variant Classification Sherloc (09022015). Collection method: clinical testing. Allele origin: germline. Not counted in ClinVar's aggregate classification.

CeGaT Center for Human Genetics Tuebingen
Classification: Likely benign. Last evaluated: 2025-02-01. Review status: criteria provided, single submitter. Criteria: CeGaT Center For Human Genetics Tuebingen Variant Classification Criteria Version 2. Collection method: clinical testing. Allele origin: germline. Affected: yes. Observed: 6 variant alleles. Not counted in ClinVar's aggregate classification.
Comment: MTOR: BP4, BS2

Blueprint Genetics
Classification: Likely benign. Last evaluated: 2024-08-14. Review status: criteria provided, single submitter. Criteria: ACMG Guidelines, 2015. Collection method: clinical testing. Allele origin: germline. Not counted in ClinVar's aggregate classification.

Ambry Genetics
Classification: Likely benign for Inborn genetic diseases. Last evaluated: 2021-07-19. Review status: criteria provided, single submitter. Criteria: Ambry Variant Classification Scheme 2023. Collection method: clinical testing. Allele origin: germline. Not counted in ClinVar's aggregate classification.

Genetic Services Laboratory, University of Chicago
Classification: Likely benign. Last evaluated: 2019-12-02. Review status: criteria provided, single submitter. Criteria: ACMG Guidelines, 2015. Collection method: clinical testing. Allele origin: germline. Affected: no. Not counted in ClinVar's aggregate classification.

GeneDx
Classification: Benign. Last evaluated: 2019-07-10. Review status: criteria provided, single submitter. Criteria: GeneDx Variant Classification Process June 2021. Collection method: clinical testing. Allele origin: germline. Affected: yes. Not counted in ClinVar's aggregate classification.

Breakthrough Genomics
Classification: Likely benign. Review status: criteria provided, single submitter. Criteria: ACMG Guidelines, 2015. Collection method: not provided. Allele origin: germline. Inheritance: Autosomal dominant inheritance. Affected: yes. Not counted in ClinVar's aggregate classification.

PreventionGenetics, part of Exact Sciences
Classification: Likely benign for MTOR-related condition. Last evaluated: 2022-05-10. Review status: no assertion criteria provided. Collection method: clinical testing. Allele origin: germline. Not counted in ClinVar's aggregate classification.
Comment: This variant is classified as likely benign based on ACMG/AMP sequence variant interpretation guidelines (Richards et al. 2015 PMID: 25741868, with internal and published modifications).

NM_004958.4(MTOR):c.5501C>T (p.Thr1834Met)

Gene: MTOR (mechanistic target of rapamycin kinase; minus strand). Cytogenetic location: 1p36.22.
Variant type: single nucleotide variant.
Coding change: c.5501C>T on transcript NM_004958.4 (MANE Select); coding-DNA position 5501, C replaced by T.
Protein change: p.Thr1834Met; replaces threonine 1834 with methionine.
Molecular consequence: missense variant.
Genome position (GRCh38, 1-based): chr1:11,130,641, G>A on the plus strand (C>T on the coding strand, the complement: MTOR is on the minus strand). VCF-style: chr1-11130641-G-A. GRCh37 (hg19) VCF-style: chr1-11190698-G-A.
Other names: short protein forms T1834M.
Identifiers: ClinVar variation 695823 (VCV000695823.58), dbSNP rs142403193, ClinGen allele CA589332.